The following is an entry in ClinVar:

NM_001374353.1(GLI2):c.3892C>T (p.Pro1298Ser)

Gene: GLI2 (GLI family zinc finger 2; plus strand). Cytogenetic location: 2q14.2.
Variant type: single nucleotide variant.
Coding change: c.3892C>T on transcript NM_001374353.1 (MANE Select); coding-DNA position 3892, C replaced by T.
Protein change: p.Pro1298Ser; replaces proline 1298 with serine.
Molecular consequence: missense variant.
Genome position (GRCh38, 1-based): chr2:120,989,857, C>T. VCF-style: chr2-120989857-C-T. GRCh37 (hg19) VCF-style: chr2-121747433-C-T.
Other names: c.3943C>T, p.Pro1315Ser (NM_001371271.1, NM_005270.5); c.3517C>T, p.Pro1173Ser (NM_001374354.1); short protein forms P1315S, P1298S, P1173S.
Identifiers: ClinVar variation 95274 (VCV000095274.57), dbSNP rs114376238, ClinGen allele CA148373.
Genomic context (GRCh38, chr2:120,989,857, plus strand): 5'-ATGGGCAATCGCCACAGGGAACTTGGGGTCCCCGATTCAGCCCTGGCTGGAGTGCCACCA[C>T]CTCACCCAGTCCAGAGCTACCCACAGCAGAGCCATCACCTGGCAGCCTCCATGAGCCAGG-3'
Protein context (NP_001361282.1, residues 1288-1308): PDSALAGVPP[Pro1298Ser]HPVQSYPQQS

ClinVar aggregate classification (germline): Benign/Likely benign. Review status: criteria provided, multiple submitters, no conflicts (2 of 4 stars). 10 submissions from 10 submitters: Benign (5); Likely benign (5). Last evaluated 2026-10-01.

Conditions:
Holoprosencephaly 9 (HPE9). Also called: PITUITARY ANOMALIES WITH HOLOPROSENCEPHALY-LIKE FEATURES; HOLOPROSENCEPHALY WITH MICROPHTHALMIA AND FIRST BRANCHIAL ARCH ANOMALIES. Identifiers: Orphanet 2162, MedGen C1835819, MONDO:0012563, OMIM 610829.
Postaxial polydactyly-anterior pituitary anomalies-facial dysmorphism syndrome. Also called: Culler-Jones syndrome. Identifiers: Orphanet 420584, MedGen C4014479, MONDO:0014369, OMIM 615849.

Allele frequency attached by ClinVar (database versions not stated): 1000 Genomes Project 0.00998; ExAC 0.01649; gnomAD 0.01685 and 0.01651; 1000 Genomes Project 30x 0.01031; TOPMed 0.01607; ESP Exome Variant Server 0.01884; gnomAD exomes 0.02505 and 0.01633.
gnomAD v4.1: 38,992 of 1,612,970 alleles (2.4%); highest among the groups gnomAD compares: Non-Finnish European, 2.9%; 588 homozygotes.

Submissions (10):

CeGaT Center for Human Genetics Tuebingen
Classification: Benign. Last evaluated: 2026-10-01. Review status: criteria provided, single submitter. Criteria: CeGaT Center For Human Genetics Tuebingen Variant Classification Criteria Version 2. Collection method: clinical testing. Allele origin: germline. Affected: yes. Observed: 32 variant alleles.
Comment: GLI2: BP4, BS1, BS2

Women's Health and Genetics/Laboratory Corporation of America, LabCorp
Classification: Likely benign. Last evaluated: 2026-05-11. Review status: criteria provided, single submitter. Criteria: LabCorp Variant Classification Summary - May 2015. Collection method: clinical testing. Allele origin: germline.

Labcorp Genetics (formerly Invitae), Labcorp
Classification: Benign for Postaxial polydactyly-anterior pituitary anomalies-facial dysmorphism syndrome; Holoprosencephaly 9. Last evaluated: 2026-01-31. Review status: criteria provided, single submitter. Criteria: Invitae Variant Classification Sherloc (09022015). Collection method: clinical testing. Allele origin: germline.

Blueprint Genetics
Classification: Likely benign. Last evaluated: 2024-11-26. Review status: criteria provided, single submitter. Criteria: ACMG Guidelines, 2015. Collection method: clinical testing. Allele origin: germline.

ARUP Laboratories, Molecular Genetics and Genomics, ARUP Laboratories
Classification: Likely benign. Last evaluated: 2023-11-01. Review status: criteria provided, single submitter. Criteria: ARUP Molecular Germline Variant Investigation Process 2024. Collection method: clinical testing. Allele origin: germline.

GeneDx
Classification: Benign. Last evaluated: 2021-03-09. Review status: criteria provided, single submitter. Criteria: GeneDx Variant Classification Process June 2021. Collection method: clinical testing. Allele origin: germline. Affected: yes.
Comment: This variant is associated with the following publications: (PMID: 19223936, 24744436, 29260090, 22967285)

Illumina Laboratory Services, Illumina
Classification: Benign for Holoprosencephaly 9. Last evaluated: 2018-01-13. Review status: criteria provided, single submitter. Criteria: ICSL Variant Classification Criteria 13 December 2019. Collection method: clinical testing. Allele origin: germline.
Comment: This variant was observed in the ICSL laboratory as part of a predisposition screen in an ostensibly healthy population. It had not been previously curated by ICSL or reported in the Human Gene Mutation Database (HGMD: prior to June 1st, 2018), and was therefore a candidate for classification through an automated scoring system. Utilizing variant allele frequency, disease prevalence and penetrance estimates, and inheritance mode, an automated score was calculated to assess if this variant is too frequent to cause the disease. Based on the score and internal cut-off values, a variant classified as benign is not then subjected to further curation. The score for this variant resulted in a classification of benign for this disease.

Eurofins Ntd Llc (ga)
Classification: Benign. Last evaluated: 2013-08-13. Review status: criteria provided, single submitter. Criteria: EGL Classification Definitions 2015. Collection method: clinical testing. Allele origin: germline. Observed: 1 variant allele, 1 heterozygote.

Breakthrough Genomics
Classification: Likely benign. Review status: criteria provided, single submitter. Criteria: ACMG Guidelines, 2015. Collection method: not provided. Allele origin: germline. Inheritance: Autosomal dominant inheritance. Affected: yes.

PreventionGenetics, part of Exact Sciences
Classification: Likely benign. Review status: criteria provided, single submitter. Criteria: ACMG Guidelines, 2015. Collection method: clinical testing. Allele origin: germline.